The following is an entry in ClinVar:

ClinVar aggregate classification (germline): Uncertain significance (1 of 4 stars; one submission).

Conditions:
Werner syndrome (WRN). Identifiers: Orphanet 902, MedGen C0043119, MONDO:0010196, OMIM 277700.

Submission:

Labcorp Genetics (formerly Invitae), Labcorp
Classification: Uncertain significance for Werner syndrome. Last evaluated: 2025-03-26. Review status: criteria provided, single submitter. Criteria: Invitae Variant Classification Sherloc (09022015). Collection method: clinical testing. Allele origin: germline.
Comment: This sequence change falls in intron 28 of the WRN gene. It does not directly change the encoded amino acid sequence of the WRN protein. This variant is not present in population databases (gnomAD no frequency). This variant has not been reported in the literature in individuals affected with WRN-related conditions. Studies have shown that this variant is associated with inconclusive levels of altered splicing (internal data). In summary, the available evidence is currently insufficient to determine the role of this variant in disease. Therefore, it has been classified as a Variant of Uncertain Significance.

NM_000553.6(WRN):c.3384-5T>C

Gene: WRN (WRN RecQ like helicase; plus strand). Cytogenetic location: 8p12.
Variant type: single nucleotide variant.
Coding change: c.3384-5T>C on transcript NM_000553.6 (MANE Select); 5 bases into the intron before coding-DNA position 3384, T replaced by C.
Molecular consequence: intron variant.
Genome position (GRCh38, 1-based): chr8:31,147,048, T>C. VCF-style: chr8-31147048-T-C. GRCh37 (hg19) VCF-style: chr8-31004564-T-C.
Identifiers: ClinVar variation 4805546 (VCV004805546.1).